The following is an entry in ClinVar:

NM_004525.3(LRP2):c.10466T>G (p.Phe3489Cys)

Gene: LRP2 (LDL receptor related protein 2; minus strand). Cytogenetic location: 2q31.1.
Variant type: single nucleotide variant.
Coding change: c.10466T>G on transcript NM_004525.3 (MANE Select); coding-DNA position 10466, T replaced by G.
Protein change: p.Phe3489Cys; replaces phenylalanine 3489 with cysteine.
Molecular consequence: missense variant.
Genome position (GRCh38, 1-based): chr2:169,176,516, A>C on the plus strand (T>G on the coding strand, the complement: LRP2 is on the minus strand). VCF-style: chr2-169176516-A-C. GRCh37 (hg19) VCF-style: chr2-170033026-A-C.
Other names: c.10466T>G (NM_004525.2); short protein forms F3489C.
Identifiers: ClinVar variation 2186861 (VCV002186861.2), dbSNP rs766876637, ClinGen allele CA1953352.
Genomic context (GRCh38, chr2:169,176,516, plus strand): 5'-ATGCAGTAGGTGCTGCCACTCAGCTGAAGGGTGCGGAAGTCATCTGGACACTCGCAAGTG[A>C]ACCCTTTTCCTCCTGGCTTGATGAGGCAGAGATGAGAACAGCCACCATTGTTGGTACCAC-3'
Protein context (NP_004516.2, residues 3479-3499): LCLIKPGGKG[Phe3489Cys]TCECPDDFRT

ClinVar aggregate classification (germline): Uncertain significance. Review status: criteria provided, multiple submitters, no conflicts (2 of 4 stars). 2 submissions from 2 submitters: Uncertain significance (2). Last evaluated 2025-11-02.

Conditions:
Inborn genetic diseases. Identifiers: MedGen C0950123, MeSH D030342.

Allele frequency attached by ClinVar (database versions not stated): gnomAD exomes below 0.00001; ExAC 0.00002; TOPMed below 0.00001.
gnomAD v4.1: 4 of 1,614,192 alleles (0.00025%); highest among the groups gnomAD compares: Admixed American, 0.0067%; no homozygotes.

Submissions (2):

Ambry Genetics
Classification: Uncertain significance for Inborn genetic diseases. Last evaluated: 2025-11-02. Review status: criteria provided, single submitter. Criteria: Ambry Variant Classification Scheme 2023. Collection method: clinical testing. Allele origin: germline.

Labcorp Genetics (formerly Invitae), Labcorp
Classification: Uncertain significance. Last evaluated: 2022-05-25. Review status: criteria provided, single submitter. Criteria: Invitae Variant Classification Sherloc (09022015). Collection method: clinical testing. Allele origin: germline.
Comment: This sequence change replaces phenylalanine, which is neutral and non-polar, with cysteine, which is neutral and slightly polar, at codon 3489 of the LRP2 protein (p.Phe3489Cys). This variant is present in population databases (rs766876637, gnomAD 0.009%). This variant has not been reported in the literature in individuals affected with LRP2-related conditions. Algorithms developed to predict the effect of missense changes on protein structure and function (SIFT, PolyPhen-2, Align-GVGD) all suggest that this variant is likely to be disruptive. In summary, the available evidence is currently insufficient to determine the role of this variant in disease. Therefore, it has been classified as a Variant of Uncertain Significance.